The following is an entry in ClinVar:

NM_000041.4(APOE):c.899A>T (p.Lys300Met)

Gene: APOE (apolipoprotein E; plus strand). Cytogenetic location: 19q13.32.
Variant type: single nucleotide variant.
Coding change: c.899A>T on transcript NM_000041.4 (MANE Select); coding-DNA position 899, A replaced by T.
Protein change: p.Lys300Met; replaces lysine 300 with methionine.
Molecular consequence: missense variant.
Genome position (GRCh38, 1-based): chr19:44,909,195, A>T. VCF-style: chr19-44909195-A-T. GRCh37 (hg19) VCF-style: chr19-45412452-A-T.
Other names: c.977A>T, p.Lys326Met (NM_001302688.2); c.899A>T, p.Lys300Met (NM_001302689.2, NM_001302690.2, NM_001302691.2); short protein forms K300M, K326M.
Identifiers: ClinVar variation 4613726 (VCV004613726.1).

ClinVar aggregate classification (germline): Uncertain significance (1 of 4 stars; one submission).

Conditions:
Cardiovascular phenotype. Identifiers: MedGen CN230736.

Submission:

Ambry Genetics
Classification: Uncertain significance for Cardiovascular phenotype. Last evaluated: 2025-10-01. Review status: criteria provided, single submitter. Criteria: Ambry Variant Classification Scheme 2023. Collection method: clinical testing. Allele origin: germline.
Comment: The p.K300M variant (also known as c.899A>T), located in coding exon 3 of the APOE gene, results from an A to T substitution at nucleotide position 899. The lysine at codon 300 is replaced by methionine, an amino acid with similar properties. This amino acid position is conserved. In addition, this alteration is predicted to be tolerated by in silico analysis. Based on the available evidence, the clinical significance of this variant remains unclear.